The following is an entry in ClinVar:

NM_020911.2(PLXNA4):c.2634C>A (p.Ile878=)

Gene: PLXNA4 (plexin A4; minus strand). Cytogenetic location: 7q32.3.
Variant type: single nucleotide variant.
Coding change: c.2634C>A on transcript NM_020911.2 (MANE Select); coding-DNA position 2634, C replaced by A.
Protein change: p.Ile878=; no amino-acid change (isoleucine 878 retained).
Molecular consequence: synonymous variant.
Genome position (GRCh38, 1-based): chr7:132,198,589, G>T on the plus strand (C>A on the coding strand, the complement: PLXNA4 is on the minus strand). VCF-style: chr7-132198589-G-T. GRCh37 (hg19) VCF-style: chr7-131883348-G-T.
Other names: c.2634C>A, p.Ile878= (NM_001393897.1).
Identifiers: ClinVar variation 3356587 (VCV003356587.1).

ClinVar aggregate classification (germline): Likely benign (0 of 4 stars; one submission).

Conditions:
PLXNA4-related disorder. Also called: PLXNA4-related condition.

gnomAD v4.1: 6 of 1,614,112 alleles (0.00037%); highest among the groups gnomAD compares: Admixed American, 0.0067%; no homozygotes.

Submission:

PreventionGenetics, part of Exact Sciences
Classification: Likely benign for PLXNA4-related condition. Last evaluated: 2024-01-03. Review status: no assertion criteria provided. Collection method: clinical testing. Allele origin: germline.
Comment: This variant is classified as likely benign based on ACMG/AMP sequence variant interpretation guidelines (Richards et al. 2015 PMID: 25741868, with internal and published modifications).